The following is an entry in ClinVar:

NM_000426.4(LAMA2):c.2957G>A (p.Trp986Ter)

Gene: LAMA2 (laminin subunit alpha 2; plus strand). Cytogenetic location: 6q22.33.
Variant type: single nucleotide variant.
Coding change: c.2957G>A on transcript NM_000426.4 (MANE Select); coding-DNA position 2957, G replaced by A.
Protein change: p.Trp986Ter; replaces tryptophan 986 with a stop codon.
Molecular consequence: nonsense.
Genome position (GRCh38, 1-based): chr6:129,297,785, G>A. VCF-style: chr6-129297785-G-A. GRCh37 (hg19) VCF-style: chr6-129618930-G-A.
Other names: c.2957G>A, p.Trp986Ter (NM_001079823.2); short protein forms W986*.
Identifiers: ClinVar variation 983633 (VCV000983633.4), dbSNP rs1773283278, ClinGen allele CA365611121.
Genomic context (GRCh38, chr6:129,297,785, plus strand): 5'-CCTGCAACTGCAATTCTTTTGGGTCTAAGTCATTCGACTGTGAAGAGAGTGGACAATGTT[G>A]GTGCCAACCTGGAGTCACAGGGAAGAAATGTGACCGCTGTGCCCACGGCTATTTCAACTT-3'

ClinVar aggregate classification (germline): Likely pathogenic (1 of 4 stars; one submission).

Conditions:
LAMA2-related muscular dystrophy (LAMA2-RD). Also called: Laminin alpha 2-related dystrophy. Identifiers: MedGen C5679788, MONDO:0100228.

Submission:

Myriad Genetics, Inc.
Classification: Likely pathogenic for LAMA2-related muscular dystrophy. Last evaluated: 2019-12-20. Review status: criteria provided, single submitter. Criteria: Myriad Autosomal Dominant, Autosomal Recessive and X-Linked Classification Criteria (2023). Collection method: clinical testing. Allele origin: unknown.
Comment: NM_000426.3(LAMA2):c.2957G>A(W986*) is expected to be pathogenic in the context of LAMA2-related muscular dystrophy. This variant is predicted to lead to an abnormal or absent protein product due to the creation of a premature termination codon in LAMA2, a gene where loss-of-function variants are known to be pathogenic. Please note: this variant was assessed in the context of healthy population screening.